The following is an entry in ClinVar:

ClinVar aggregate classification (germline): Conflicting classifications of pathogenicity. Review status: criteria provided, conflicting classifications (1 of 4 stars). 2 submissions from 2 submitters: Uncertain significance (1); Likely benign (1). Last evaluated 2026-09-11.

Conditions:
Inborn genetic diseases. Identifiers: MedGen C0950123, MeSH D030342.
Drash syndrome (DDS). Also called: NEPHROPATHY, WILMS TUMOR, AND GENITAL ANOMALIES; WILMS TUMOR AND PSEUDO- OR TRUE HERMAPHRODITISM. Identifiers: Orphanet 220, MedGen C0950121, MONDO:0008682, OMIM 194080.
Frasier syndrome. Identifiers: Orphanet 347, MedGen C0950122, MeSH D052159, MONDO:0007635, OMIM 136680.
Wilms tumor 1 (WT1). Also called: Wilms tumor, somatic. Identifiers: Orphanet 654, MedGen CN033288, MONDO:0008679, OMIM 194070.
11p partial monosomy syndrome (WAGR). Also called: CHROMOSOME 11p13 DELETION SYNDROME; WAGR syndrome; WAGR Spectrum Disorder; WAGR Complex. Identifiers: Orphanet 893, MedGen C0206115, MONDO:0008681, OMIM 194072.

Allele frequency attached by ClinVar (database versions not stated): gnomAD exomes below 0.00001.

Submissions (2):

Ambry Genetics
Classification: Likely benign for Inborn genetic diseases. Last evaluated: 2026-09-11. Review status: criteria provided, single submitter. Criteria: Ambry Variant Classification Scheme 2023. Collection method: clinical testing. Allele origin: germline.

Labcorp Genetics (formerly Invitae), Labcorp
Classification: Uncertain significance for Wilms tumor 1; Drash syndrome; 11p partial monosomy syndrome; Frasier syndrome. Last evaluated: 2021-06-18. Review status: criteria provided, single submitter. Criteria: Invitae Variant Classification Sherloc (09022015). Collection method: clinical testing. Allele origin: germline.
Comment: In summary, the available evidence is currently insufficient to determine the role of this variant in disease. Therefore, it has been classified as a Variant of Uncertain Significance. Algorithms developed to predict the effect of missense changes on protein structure and function are either unavailable or do not agree on the potential impact of this missense change (SIFT: "Deleterious"; PolyPhen-2: "Benign"; Align-GVGD: "Class C0"). This variant has not been reported in the literature in individuals with WT1-related conditions. The frequency data for this variant in the population databases is considered unreliable, as metrics indicate insufficient coverage at this position in the ExAC database. This sequence change replaces leucine with phenylalanine at codon 18 of the WT1 protein (p.Leu18Phe). The leucine residue is weakly conserved and there is a small physicochemical difference between leucine and phenylalanine.

NM_024426.6(WT1):c.67C>T (p.Leu23Phe)

Genes: WT1 (WT1 transcription factor; minus strand), LOC107982234 (WT1/WT1-AS bi-directional promoter region; plus strand). Cytogenetic location: 11p13.
Variant type: single nucleotide variant.
Coding change: c.67C>T on transcript NM_024426.6 (MANE Select); coding-DNA position 67, C replaced by T.
Protein change: p.Leu23Phe; replaces leucine 23 with phenylalanine.
Molecular consequence: missense variant. On other transcripts: non-coding transcript variant (1).
Genome position (GRCh38, 1-based): chr11:32,435,294, G>A on the plus strand (C>T on the coding strand, the complement: WT1 is on the minus strand). VCF-style: chr11-32435294-G-A. GRCh37 (hg19) VCF-style: chr11-32456840-G-A.
Other names: c.67C>T, p.Leu23Phe (NM_000378.6, NM_024424.5); c.52C>T (NM_024426.4); short protein forms L23F.
Identifiers: ClinVar variation 1484861 (VCV001484861.9), dbSNP rs2133107546, ClinGen allele CA379966454.